The following is an entry in ClinVar:

NM_152906.7(TANGO2):c.266-17C>A

Gene: TANGO2 (transport and golgi organization 2 homolog; plus strand). Cytogenetic location: 22q11.21.
Variant type: single nucleotide variant.
Coding change: c.266-17C>A on transcript NM_152906.7 (MANE Select); 17 bases into the intron before coding-DNA position 266, C replaced by A.
Molecular consequence: intron variant. On other transcripts: synonymous variant (3).
Genome position (GRCh38, 1-based): chr22:20,053,420, C>A. VCF-style: chr22-20053420-C-A. GRCh37 (hg19) VCF-style: chr22-20040943-C-A.
Other names: c.147C>A, p.Ile49= (NM_001322146.2, NM_001322148.2, NM_001322160.2); c.266-17C>A (NM_001283106.3, NM_001283154.3, NM_001283199.3 and 3 more transcripts); c.265+836C>A (NM_001322163.2, NM_001283179.3, NM_001322167.2 and 4 more transcripts); c.86+836C>A (NM_001322174.2, NM_001322172.2, NM_001322175.2 and 6 more transcripts); c.389-17C>A (NM_001322143.2, NM_001322141.2, NM_001283129.3 and 3 more transcripts); c.388+836C>A (NM_001322145.2, NM_001322147.2); c.147C>A (NM_001322160.1).
Identifiers: ClinVar variation 1603681 (VCV001603681.10), dbSNP rs746310797, ClinGen allele CA10106276.

ClinVar aggregate classification (germline): Likely benign. Review status: criteria provided, single submitter (1 of 4 stars). 2 submissions from 2 submitters: Likely benign (1). 1 of the submissions does not count toward it. Last evaluated 2025-04-20.

Conditions:
TANGO2-related disorder. Also called: TANGO2-related condition.

Allele frequency attached by ClinVar (database versions not stated): ExAC 0.00002; gnomAD 0.00002; gnomAD exomes 0.00002 and 0.00004.
gnomAD v4.1: 50 of 1,543,402 alleles (0.0032%); highest among the groups gnomAD compares: Non-Finnish European, 0.0044%; no homozygotes.

Submissions (2):

Labcorp Genetics (formerly Invitae), Labcorp
Classification: Likely benign. Last evaluated: 2025-04-20. Review status: criteria provided, single submitter. Criteria: Invitae Variant Classification Sherloc (09022015). Collection method: clinical testing. Allele origin: germline.

PreventionGenetics, part of Exact Sciences
Classification: Likely benign for TANGO2-related condition. Last evaluated: 2019-02-26. Review status: no assertion criteria provided. Collection method: clinical testing. Allele origin: germline. Not counted in ClinVar's aggregate classification.
Comment: This variant is classified as likely benign based on ACMG/AMP sequence variant interpretation guidelines (Richards et al. 2015 PMID: 25741868, with internal and published modifications).